The following is an entry in ClinVar:

ClinVar aggregate classification (germline): Conflicting classifications of pathogenicity. Review status: criteria provided, conflicting classifications (1 of 4 stars). 2 submissions from 2 submitters: Uncertain significance (1); Likely benign (1). Last evaluated 2023-02-07.

Conditions:
Amyotrophic lateral sclerosis (ALS). Also called: Charcot disease; Lou Gehrig disease. Identifiers: Orphanet 803, MedGen C0002736, MONDO:0004976, HP:0007354.
DAO-related disorder. Also called: DAO-related condition.

Allele frequency attached by ClinVar (database versions not stated): gnomAD 0.00001 and 0.00003; TOPMed 0.00005; ExAC 0.00007.
gnomAD v4.1: 47 of 1,613,986 alleles (0.0029%); highest among the groups gnomAD compares: East Asian, 0.038%; no homozygotes.

Submissions (2):

PreventionGenetics, part of Exact Sciences
Classification: Uncertain significance for DAO-related condition. Last evaluated: 2023-02-07. Review status: criteria provided, single submitter. Criteria: ACMG Guidelines, 2015. Collection method: clinical testing. Allele origin: germline.
Comment: The DAO c.46G>A variant is predicted to result in the amino acid substitution p.Ala16Thr. This variant was reported in an individual with amyotrophic lateral sclerosis (Tunca et al. 2020. PubMed ID: 32579787). This variant is reported in 0.065% of alleles in individuals of East Asian descent in gnomAD. At this time, the clinical significance of this variant is uncertain due to the absence of conclusive functional and genetic evidence.

Suna and Inan Kirac Foundation Neurodegeneration Research Laboratory, Koc University
Classification: Likely benign for Amyotrophic lateral sclerosis. Last evaluated: 2020-03-31. Review status: criteria provided, single submitter. Criteria: ACMG Guidelines, 2015. Collection method: research. Allele origin: germline. Affected: yes. Observed: 1 variant allele.

NM_001917.5(DAO):c.46G>A (p.Ala16Thr)

Gene: DAO (D-amino acid oxidase; plus strand). Cytogenetic location: 12q24.11.
Variant type: single nucleotide variant.
Coding change: c.46G>A on transcript NM_001917.5 (MANE Select); coding-DNA position 46, G replaced by A.
Protein change: p.Ala16Thr; replaces alanine 16 with threonine.
Molecular consequence: missense variant.
Genome position (GRCh38, 1-based): chr12:108,885,052, G>A. VCF-style: chr12-108885052-G-A. GRCh37 (hg19) VCF-style: chr12-109278828-G-A.
Other names: c.46G>A (NM_001917.4); short protein forms A16T.
Identifiers: ClinVar variation 873278 (VCV000873278.2), dbSNP rs778735604, ClinGen allele CA6770944.
Genomic context (GRCh38, chr12:108,885,052, plus strand): 5'-CCACAGGCTGCTGCAATGCGTGTGGTGGTGATTGGAGCAGGAGTCATCGGGCTGTCCACC[G>A]CCCTCTGCATCCATGAGCGCTACCACTCAGTCCTGCAGCCACTGGACATAAAGGTCTACG-3'
Protein context (NP_001908.3, residues 6-26): IGAGVIGLST[Ala16Thr]LCIHERYHSV